The following is an entry in ClinVar:

NM_001267550.2(TTN):c.22725_22726insTTTTTTTTTTTTTTTTTTTTNNNNNNNNNNCCGTCTTCTGCGTCGCTCACGTTGGGAGCTGTAGACCGGAGCTGTTCCTATTCGGCCATCTTGGCTCCTCCCCCCGAGAATTCTT (p.Lys7576delinsPhePhePhePhePhePheXaaXaaXaaXaaProSerSerAlaSerLeuThrLeuGlyAlaValAspArgSerCysSerTyrSerAlaIleLeuAlaProProProGluAsnSerTer)

Gene: TTN (titin; minus strand). Cytogenetic location: 2q31.2.
Variant type: Insertion.
Coding change: c.22725_22726insTTTTTTTTTTTTTTTTTTTTNNNNNNNNNNCCGTCTTCTGCGTCGCTCACGTTGGGAGCTGTAGACCGGAGCTGTTCCTATTCGGCCATCTTGGCTCCTCCCCCCGAGAATTCTT on transcript NM_001267550.2 (MANE Select); coding-DNA positions 22725 to 22726, TTTTTTTTTTTTTTTTTTTTNNNNNNNNNNCCGTCTTCTGCGTCGCTCACGTTGGGAGCTGTAGACCGGAGCTGTTCCTATTCGGCCATCTTGGCTCCTCCCCCCGAGAATTCTT inserted.
Protein change: p.Lys7576delinsPhePhePhePhePhePheXaaXaaXaaXaaProSerSerAlaSerLeuThrLeuGlyAlaValAspArgSerCysSerTyrSerAlaIleLeuAlaProProProGluAsnSerTer.
Molecular consequence: nonsense. On other transcripts: intron variant (3).
Genome position: GRCh38: chr2:178,721,947-178,721,948. GRCh37 (hg19): chr2:179,586,674-179,586,675.
Other names: c.21774_21775insTTTTTTTTTTTTTTTTTTTTNNNNNNNNNNCCGTCTTCTGCGTCGCTCACGTTGGGAGCTGTAGACCGGAGCTGTTCCTATTCGGCCATCTTGGCTCCTCCCCCCGAGAATTCTT, p.Lys7259delinsPhePhePhePhePhePheXaaXaaXaaXaaProSerSerAlaSerLeuThrLeuGlyAlaValAspArgSerCysSerTyrSerAlaIleLeuAlaProProProGluAsnSerTer (NM_001256850.1); c.18993_18994insTTTTTTTTTTTTTTTTTTTTNNNNNNNNNNCCGTCTTCTGCGTCGCTCACGTTGGGAGCTGTAGACCGGAGCTGTTCCTATTCGGCCATCTTGGCTCCTCCCCCCGAGAATTCTT, p.Lys6332delinsPhePhePhePhePhePheXaaXaaXaaXaaProSerSerAlaSerLeuThrLeuGlyAlaValAspArgSerCysSerTyrSerAlaIleLeuAlaProProProGluAsnSerTer (NM_133378.4); c.13282+16144_13282+16145insGAGAATTCTTTTTTTTTTTTTTTTTTTTTTNNNNNNNNNNCCGTCTTCTGCGTCGCTCACGTTGGGAGCTGTAGACCGGAGCTGTTCCTATTCGGCCATCTTGGCTCCTCCCCCC (NM_003319.4); c.13858+16144_13858+16145insGAGAATTCTTTTTTTTTTTTTTTTTTTTTTNNNNNNNNNNCCGTCTTCTGCGTCGCTCACGTTGGGAGCTGTAGACCGGAGCTGTTCCTATTCGGCCATCTTGGCTCCTCCCCCC (NM_133437.4); c.13657+16144_13657+16145insGAGAATTCTTTTTTTTTTTTTTTTTTTTTTNNNNNNNNNNCCGTCTTCTGCGTCGCTCACGTTGGGAGCTGTAGACCGGAGCTGTTCCTATTCGGCCATCTTGGCTCCTCCCCCC (NM_133432.3).
Identifiers: ClinVar variation 1378724 (VCV001378724.6), dbSNP rs2154301480.

ClinVar aggregate classification (germline): Uncertain significance (1 of 4 stars; one submission).

Conditions:
Dilated cardiomyopathy 1G (CMD1G). Identifiers: Orphanet 154, MedGen C1858763, MONDO:0011400, OMIM 604145.
Autosomal recessive limb-girdle muscular dystrophy type 2J (LGMDR10). Also called: MUSCULAR DYSTROPHY, LIMB-GIRDLE, AUTOSOMAL RECESSIVE 10; Limb-girdle muscular dystrophy, type 2J. Identifiers: Orphanet 140922, MedGen C1837342, MONDO:0012127, OMIM 608807.

Submission:

Labcorp Genetics (formerly Invitae), Labcorp
Classification: Uncertain significance for Dilated cardiomyopathy 1G; Autosomal recessive limb-girdle muscular dystrophy type 2J. Last evaluated: 2022-11-22. Review status: criteria provided, single submitter. Criteria: Invitae Variant Classification Sherloc (09022015). Collection method: clinical testing. Allele origin: germline.
Comment: This variant is not present in population databases (gnomAD no frequency). This sequence change inserts a large fragment of DNA, likely a transposable element, in exon 78 of the TTN gene (c.22725_22726ins?), causing a frameshift at codon 7576 (p.Lys7576fs). The exact size and sequence of the insertion cannot be determined by the current assay. While this is not anticipated to result in nonsense mediated decay, it is expected to create a truncated TTN protein. This variant has not been reported in the literature in individuals affected with TTN-related conditions. In summary, the available evidence is currently insufficient to determine the role of this variant in disease. Therefore, it has been classified as a Variant of Uncertain Significance. Retrotransposon insertions including LINE1 (L1), Alu, and SVA (SINE-VNTR-Alu) have been reported to disrupt protein function (PMID: 19763152, 20307669, 22406018). However the effect of this particular variant is unknown. This variant is located in the I band of TTN (PMID: 25589632). Truncating variants in this region have been shown to be highly prevalent in the general population and unaffected individuals (PMID: 26701604, 22335739). However, truncating variants in this region have also been reported in individuals affected with autosomal recessive centronuclear myopathy (PMID: 23975875). Algorithms developed to predict the effect of sequence changes on RNA splicing suggest that this variant may disrupt the consensus splice site. ClinVar contains an entry for this variant (Variation ID: 1378724).

Literature cited by the submitters: PubMed 19763152; PubMed 20307669; PubMed 22406018; PubMed 25589632; PubMed 26701604; PubMed 22335739; PubMed 23975875.